The following is an entry in ClinVar:

ClinVar aggregate classification (germline): Pathogenic. Review status: criteria provided, multiple submitters, no conflicts (2 of 4 stars). 13 submissions from 13 submitters: Pathogenic (12). 1 of the submissions does not count toward it. Last evaluated 2026-08-10.

Conditions:
MMACHC-related disorder. Also called: MMACHC-related condition.
Cobalamin C disease. Also called: Cobalamin-C methylmalonic acidemia and homocystinuria; Methylmalonic acidemia and homocystinuria cblC type; Methylmalonic aciduria with homocystinuria cblC type; Methylmalonic aciduria and homocystinuria, Vitamin B12-responsive; Vitamin B12 metabolic defect with combined deficiency of methylmalonyl-CoA mutase and homocysteine:methyltetrahydrofolate methyltransferase; methylmalonic aciduria and homocystinuria type cblC. Identifiers: Orphanet 26, Orphanet 79282, MedGen C1848561, MONDO:0010184, OMIM 277400.
Fetal anomalies with a likely genetic cause.

Allele frequency attached by ClinVar (database versions not stated): gnomAD exomes 0.00001 and 0.00002; TOPMed 0.00001; ExAC 0.00002.
gnomAD v4.1: 5 of 1,614,138 alleles (0.00031%); highest among the groups gnomAD compares: Admixed American, 0.0083%; no homozygotes.

Submissions (13):

Genetics Laboratory, Great Ormond Street Hospital NHS Foundation Trust, North Thames Genomic Laboratory Hub
Classification: Pathogenic for Fetal anomalies with a likely genetic cause. Last evaluated: 2026-08-10. Review status: criteria provided, single submitter. Criteria: ACGS Best Practice Guidelines for Variant Classification in Rare Disease 2024 v1.2. Collection method: clinical testing. Allele origin: germline. Affected: yes.
Comment: PM2_moderate, PVS1_strong, PM3_strong

Labcorp Genetics (formerly Invitae), Labcorp
Classification: Pathogenic for Cobalamin C disease. Last evaluated: 2025-10-24. Review status: criteria provided, single submitter. Criteria: Invitae Variant Classification Sherloc (09022015). Collection method: clinical testing. Allele origin: germline.
Comment: This sequence change creates a premature translational stop signal (p.Trp203*) in the MMACHC gene. While this is not anticipated to result in nonsense mediated decay, it is expected to disrupt the last 80 amino acid(s) of the MMACHC protein. This variant is present in population databases (rs398124295, gnomAD 0.01%). This premature translational stop signal has been observed in individuals with methylmalonic aciduria and homocystinuria (PMID: 16311595, 20631720, 23954310, 25772322). ClinVar contains an entry for this variant (Variation ID: 95706). For these reasons, this variant has been classified as Pathogenic.

Variantyx, Inc.
Classification: Pathogenic for Cobalamin C disease. Last evaluated: 2025-09-04. Review status: criteria provided, single submitter. Criteria: Variantyx Assertion Criteria 2022. Collection method: clinical testing. Allele origin: germline. Inheritance: Autosomal recessive inheritance. Affected: yes.
Comment: This is a nonsense variant in the MMACHC gene (OMIM: 609831). Pathogenic variants in this gene have been associated with autosomal recessive combined methylmalonic aciduria and homocystinuria type cblC . This variant introduces a premature termination codon in exon 4 out of 4. It is expected to result in loss of function, which is a known disease mechanism for MMACHC in this disorder (PMID: 1631159) (PVS1). This variant has been identified in the homozygous or compound heterozygous state in at least six individuals reported in the published literature (PMID: 16311595, 19370762, 23954310) (PM3). This variant has a 0.0114% maximum allele frequency in non-founder control populations (PM2). Based on the current evidence, this variant is classified as pathogenic for autosomal recessive combined methylmalonic aciduria and homocystinuria type cblC .

Natera, Inc.
Classification: Pathogenic for Methylmalonic aciduria and homocystinuria cblC type. Last evaluated: 2025-05-12. Review status: criteria provided, single submitter. Criteria: Natera Variant Classification Schema (03/2026). Collection method: clinical testing. Allele origin: germline.
Comment: The c.608G>A variant in MMACHC is a nonsense variant predicted to introduce a stop codon at amino acid 203. This variant is expected to result in nonsense mediated decay, truncation, or a dysfunctional protein product. This variant is rare in the general population with a frequency below the threshold expected for the associated phenotype(s). This variant has been observed in one or more individuals affected with the associated recessive disease, as either homozygous or compound heterozygous with a second variant (PMID: 16311595). Given the available evidence, this variant is classified as Pathogenic.

Fulgent Genetics
Classification: Pathogenic for Cobalamin C disease. Last evaluated: 2024-02-14. Review status: criteria provided, single submitter. Criteria: ACMG Guidelines, 2015. Collection method: clinical testing. Allele origin: germline.

Mayo Clinic Laboratories, Mayo Clinic
Classification: Pathogenic. Last evaluated: 2023-11-06. Review status: criteria provided, single submitter. Criteria: ACMG Guidelines, 2015. Collection method: clinical testing. Allele origin: germline. Observed: 1 variant allele.
Comment: PS1, PVS1_strong

Revvity Omics, Revvity
Classification: Pathogenic for Cobalamin C disease. Last evaluated: 2023-10-24. Review status: criteria provided, single submitter. Criteria: ACMG Guidelines, 2015. Collection method: clinical testing. Allele origin: germline.

Genome-Nilou Lab
Classification: Pathogenic for Cobalamin C disease. Last evaluated: 2023-04-11. Review status: criteria provided, single submitter. Criteria: ACMG Guidelines, 2015. Collection method: clinical testing. Allele origin: germline. Affected: no.

Blueprint Genetics
Classification: Pathogenic for MMACHC-related disorders. Last evaluated: 2022-10-04. Review status: criteria provided, single submitter. Criteria: ACMG Guidelines, 2015. Collection method: clinical testing. Allele origin: germline. Affected: yes. Observed: 4 variant alleles.

Women's Health and Genetics/Laboratory Corporation of America, LabCorp
Classification: Pathogenic for Methylmalonic acidemia with homocystinuria. Last evaluated: 2020-10-26. Review status: criteria provided, single submitter. Criteria: LabCorp Variant Classification Summary - May 2015. Collection method: clinical testing. Allele origin: germline.
Comment: Variant summary: MMACHC c.608G>A (p.Trp203X) results in a premature termination codon, predicted to cause a truncation of the encoded protein or absence of the protein due to nonsense mediated decay, which are commonly known mechanisms for disease. Truncations downstream of this position have been classified as pathogenic by our laboratory. The variant allele was found at a frequency of 1.6e-05 in 249546 control chromosomes. c.608G>A has been reported in the literature in multiple individuals affected with Cobalamin C Disease (Methylmalonic Aciduria With Homocystinuria; examples: Lerner-Ellis_2006, Lerner-Ellis_2009, Weisfield-Adams_2010, Weisfield-Adams_2013). These data indicate that the variant is very likely to be associated with disease. To our knowledge, no experimental evidence demonstrating an impact on protein function has been reported. Three clinical diagnostic laboratories have submitted clinical-significance assessments for this variant to ClinVar after 2014 without evidence for independent evaluation. All laboratories cited the variant as pathogenic. Based on the evidence outlined above, the variant was classified as pathogenic.

GeneDx
Classification: Pathogenic. Last evaluated: 2020-10-06. Review status: criteria provided, single submitter. Criteria: GeneDx Variant Classification Process June 2021. Collection method: clinical testing. Allele origin: germline. Affected: yes.
Comment: Nonsense variant in the C-terminus predicted to result in protein truncation, as the last 80 amino acids are lost, and other loss-of-function variants have been reported downstream in the Human Gene Mutation Database (Stenson et al., 2014); Not observed at a significant frequency in large population cohorts (Lek et al., 2016); This variant is associated with the following publications: (PMID: 23954310, 16311595, 26283149, 19573432, 19836982, 25772322, 26149271)

Eurofins Ntd Llc (ga)
Classification: Pathogenic. Last evaluated: 2013-12-02. Review status: criteria provided, single submitter. Criteria: EGL Classification Definitions. Collection method: clinical testing. Allele origin: germline. Observed: 3 variant alleles, 3 heterozygotes.

Counsyl
Classification: Pathogenic for Cobalamin C disease. Last evaluated: 2017-12-22. Review status: no assertion criteria provided. Collection method: clinical testing. Allele origin: unknown. Not counted in ClinVar's aggregate classification.

Literature cited by the submitters: PubMed 16311595 (cited by 6 submitters); PubMed 20631720 (cited by Labcorp Genetics (formerly Invitae), Labcorp); PubMed 23954310 (cited by 3 submitters); PubMed 25772322 (cited by Labcorp Genetics (formerly Invitae), Labcorp and Mayo Clinic Laboratories, Mayo Clinic); PubMed 1631159 (cited by Variantyx, Inc.); PubMed 19370762 (cited by 3 submitters); PubMed 19836982 (cited by Mayo Clinic Laboratories, Mayo Clinic and Women's Health and Genetics/Laboratory Corporation of America, LabCorp); PubMed 32778825 (cited by Mayo Clinic Laboratories, Mayo Clinic); PubMed 34976764 (cited by Mayo Clinic Laboratories, Mayo Clinic).

NM_015506.3(MMACHC):c.608G>A (p.Trp203Ter)

Genes: MMACHC (metabolism of cobalamin associated C; plus strand), LOC129930446 (ATAC-STARR-seq lymphoblastoid active region 972; plus strand). Cytogenetic location: 1p34.1.
Variant type: single nucleotide variant.
Coding change: c.608G>A on transcript NM_015506.3 (MANE Select); coding-DNA position 608, G replaced by A.
Protein change: p.Trp203Ter; replaces tryptophan 203 with a stop codon.
Molecular consequence: nonsense.
Genome position (GRCh38, 1-based): chr1:45,508,974, G>A. VCF-style: chr1-45508974-G-A. GRCh37 (hg19) VCF-style: chr1-45974646-G-A.
Other names: c.437G>A, p.Trp146Ter (NM_001330540.2); short protein forms W203*, W146*.
Identifiers: ClinVar variation 95706 (VCV000095706.31), dbSNP rs398124295, ClinGen allele CA223195.